The following is an entry in ClinVar:

ClinVar aggregate classification (germline): Conflicting classifications of pathogenicity. Review status: criteria provided, conflicting classifications (1 of 4 stars). 2 submissions from 2 submitters: Uncertain significance (1); Likely benign (1). Last evaluated 2025-11-15.

Conditions:
Cornelia de Lange syndrome 4 (CDLS4). Also called: RAD21-Related Cornelia de Lange Syndrome; CORNELIA DE LANGE SYNDROME 4 WITH OR WITHOUT MIDLINE BRAIN DEFECTS. Identifiers: Orphanet 199, MedGen C3553517, MONDO:0013864, OMIM 614701.
Inborn genetic diseases. Identifiers: MedGen C0950123, MeSH D030342.

Allele frequency attached by ClinVar (database versions not stated): ExAC below 0.00001; gnomAD exomes below 0.00001 and 0.00002; TOPMed below 0.00001; gnomAD 0.00001.
gnomAD v4.1: 27 of 1,609,172 alleles (0.0017%); highest among the groups gnomAD compares: South Asian, 0.0044%; no homozygotes.

Submissions (2):

Labcorp Genetics (formerly Invitae), Labcorp
Classification: Uncertain significance for Cornelia de Lange syndrome 4. Last evaluated: 2025-11-15. Review status: criteria provided, single submitter. Criteria: Invitae Variant Classification Sherloc (09022015). Collection method: clinical testing. Allele origin: germline.
Comment: This sequence change affects codon 440 of the RAD21 mRNA. It is a 'silent' change, meaning that it does not change the encoded amino acid sequence of the RAD21 protein. It affects a nucleotide within the consensus splice site. This variant is present in population databases (rs776397992, gnomAD 0.003%). This variant has not been reported in the literature in individuals affected with RAD21-related conditions. ClinVar contains an entry for this variant (Variation ID: 589494). Algorithms developed to predict the effect of sequence changes on RNA splicing suggest that this variant may disrupt the consensus splice site. In summary, the available evidence is currently insufficient to determine the role of this variant in disease. Therefore, it has been classified as a Variant of Uncertain Significance.

Ambry Genetics
Classification: Likely benign for Inborn genetic diseases. Last evaluated: 2016-12-28. Review status: criteria provided, single submitter. Criteria: Ambry Variant Classification Scheme 2023. Collection method: clinical testing. Allele origin: germline.

NM_006265.3(RAD21):c.1320C>T (p.Ile440=)

Gene: RAD21 (RAD21 cohesin complex component; minus strand). Cytogenetic location: 8q24.11.
Variant type: single nucleotide variant.
Coding change: c.1320C>T on transcript NM_006265.3 (MANE Select); coding-DNA position 1320, C replaced by T.
Protein change: p.Ile440=; no amino-acid change (isoleucine 440 retained).
Molecular consequence: synonymous variant.
Genome position (GRCh38, 1-based): chr8:116,852,550, G>A on the plus strand (C>T on the coding strand, the complement: RAD21 is on the minus strand). VCF-style: chr8-116852550-G-A. GRCh37 (hg19) VCF-style: chr8-117864789-G-A.
Identifiers: ClinVar variation 589494 (VCV000589494.10), dbSNP rs776397992, ClinGen allele CA4852860.